The following is an entry in ClinVar:

ClinVar aggregate classification (germline): Likely pathogenic (1 of 4 stars; one submission).

Conditions:
Cerebellar dysfunction with variable cognitive and behavioral abnormalities (CECBA). Also called: Nonprogressive cerebellar atxia with intellectual disability. Identifiers: Orphanet 314647, MedGen C3553661, MONDO:0013886, OMIM 614756.

Allele frequency attached by ClinVar (database versions not stated): gnomAD exomes below 0.00001.
gnomAD v4.1: 1 of 1,579,232 alleles (0.000063%); highest among the groups gnomAD compares: Non-Finnish European, 0.000086%; no homozygotes.

Submission:

New York Genome Center
Classification: Likely pathogenic for Cerebellar dysfunction with variable cognitive and behavioral abnormalities. Last evaluated: 2023-01-07. Review status: criteria provided, single submitter. Criteria: NYGC Assertion Criteria 2020. Collection method: clinical testing. Allele origin: de novo. Affected: yes. Observed: 1 heterozygote. Study: PrenatalSEQ.
Comment: The de novo heterozygous c.4690-2A>G splice-site variant in CAMTA1 has not previously been reported in the literature or public variant repositories (ClinVar and LOVD) and is absent from population databases (gnomAD v2.1.1 and v3.1.2, TOPMed Freeze 8), suggesting it is not a common benign variant in the populations represented in those databases. The c.4690-2A>G variant in CAMTA1 affects the canonical splice acceptor site of intron 19 (of 22) and is predicted to cause abnormal mRNA splicing, either subjecting the transcript to nonsense-mediated mRNA decay or resulting in an abnormal protein product if the message is used for protein translation. Based on available evidence this de novo heterozygous c.4690-2A>G variant identified in CAMTA1 is classified as Likely Pathogenic.

NM_015215.4(CAMTA1):c.4690-2A>G

Gene: CAMTA1 (calmodulin binding transcription activator 1; plus strand). Cytogenetic location: 1p36.23.
Variant type: single nucleotide variant.
Coding change: c.4690-2A>G on transcript NM_015215.4 (MANE Select); the canonical splice acceptor site of the intron before coding-DNA position 4690, A replaced by G.
Molecular consequence: splice acceptor variant.
Genome position (GRCh38, 1-based): chr1:7,751,197, A>G. VCF-style: chr1-7751197-A-G. GRCh37 (hg19) VCF-style: chr1-7811257-A-G.
Other names: c.4372-2A>G (NM_001349609.2, NM_001349610.2); c.4351-2A>G (NM_001410737.1); c.4279-2A>G (NM_001410738.1); c.4600-2A>G (NM_001349608.2); c.4282-2A>G (NM_001349612.2); c.1783-2A>G (NM_001349614.1, NM_001349616.2, NM_001349615.2); c.1444-2A>G (NM_001349620.1, NM_001349621.1, NM_001349619.2 and 1 more transcripts); c.1423-2A>G (NM_001349625.2, NM_001349623.1, NM_001349626.2 and 1 more transcripts); and 2 more.
Identifiers: ClinVar variation 3235951 (VCV003235951.1), dbSNP rs2523695759, ClinGen allele CA338143563.